The following is an entry in ClinVar:

NM_001127464.1:c.4097T>G

Gene: ZNF469 (zinc finger protein 469; plus strand).
Variant type: single nucleotide variant.
Identifiers: ClinVar variation 4615452 (VCV004615452.1).

ClinVar aggregate classification (germline): Uncertain significance (1 of 4 stars; one submission).

Conditions:
Cardiovascular phenotype. Identifiers: MedGen CN230736.

Submission:

Ambry Genetics
Classification: Uncertain significance for Cardiovascular phenotype. Last evaluated: 2025-10-05. Review status: criteria provided, single submitter. Criteria: Ambry Variant Classification Scheme 2023. Collection method: clinical testing. Allele origin: germline.
Comment: The p.F1366C variant (also known as c.4097T>G), located in coding exon 2 of the ZNF469 gene, results from a T to G substitution at nucleotide position 4097. The phenylalanine at codon 1366 is replaced by cysteine, an amino acid with highly dissimilar properties. This amino acid position is conserved. In addition, this alteration is predicted to be tolerated by in silico analysis. Based on the available evidence, the clinical significance of this variant remains unclear.